The following is an entry in ClinVar:

NM_012330.4(KAT6B):c.3341C>T (p.Thr1114Met)

Gene: KAT6B (lysine acetyltransferase 6B; plus strand). Cytogenetic location: 10q22.2.
Variant type: single nucleotide variant.
Coding change: c.3341C>T on transcript NM_012330.4 (MANE Select); coding-DNA position 3341, C replaced by T.
Protein change: p.Thr1114Met; replaces threonine 1114 with methionine.
Molecular consequence: missense variant.
Genome position (GRCh38, 1-based): chr10:75,022,200, C>T. VCF-style: chr10-75022200-C-T. GRCh37 (hg19) VCF-style: chr10-76781958-C-T.
Other names: c.2792C>T, p.Thr931Met (NM_001256468.2, NM_001370138.1); c.2465C>T, p.Thr822Met (NM_001256469.2, NM_001370139.1, NM_001370140.1 and 2 more transcripts); c.2303C>T, p.Thr768Met (NM_001370132.1); c.1652C>T, p.Thr551Met (NM_001370133.1); c.1256C>T, p.Thr419Met (NM_001370134.1); c.998C>T, p.Thr333Met (NM_001370135.1); c.3341C>T, p.Thr1114Met (NM_001370136.1, NM_001370137.1); c.2276C>T, p.Thr759Met (NM_001370143.1, NM_001370144.1); short protein forms T1114M, T768M, T551M, T419M, T333M, T759M, T822M, T931M.
Identifiers: ClinVar variation 372614 (VCV000372614.35), dbSNP rs755451488, ClinGen allele CA5564803.

ClinVar aggregate classification (germline): Conflicting classifications of pathogenicity. Review status: criteria provided, conflicting classifications (1 of 4 stars). 6 submissions from 6 submitters: Uncertain significance (3); Likely benign (2). 1 of the submissions does not count toward it. Last evaluated 2025-01-08.

Conditions:
Genitopatellar syndrome (GTPTS). Also called: ABSENT PATELLAE, SCROTAL HYPOPLASIA, RENAL ANOMALIES, FACIAL DYSMORPHISM, AND MENTAL RETARDATION; Genitopatellar syndrome (GPS). Identifiers: Orphanet 85201, MedGen C1853566, MONDO:0011640, OMIM 606170.
Blepharophimosis - intellectual disability syndrome, SBBYS type (SBBYSS). Also called: Say-Barber-Biesecker-Young-Simpson variant of Ohdo Syndrome; Ohdo syndrome, SBBYS variant; Young Simpson syndrome; Mental retardation unusual facies hypothyroidism; SBBYSS syndrome; Say-Barber-Biesecker Variant of Ohdo Syndrome. Identifiers: Orphanet 3047, MedGen C1863557, MONDO:0011365, OMIM 603736.
KAT6B-related disorder. Also called: KAT6B-related disorders; KAT6B-related condition.

Allele frequency attached by ClinVar (database versions not stated): TOPMed 0.00008.
gnomAD v4.1: 59 of 1,613,050 alleles (0.0037%); highest among the groups gnomAD compares: Admixed American, 0.018%; no homozygotes.

Submissions (6):

Labcorp Genetics (formerly Invitae), Labcorp
Classification: Likely benign for Genitopatellar syndrome. Last evaluated: 2025-01-08. Review status: criteria provided, single submitter. Criteria: Invitae Variant Classification Sherloc (09022015). Collection method: clinical testing. Allele origin: germline.

CeGaT Center for Human Genetics Tuebingen
Classification: Likely benign. Last evaluated: 2022-09-01. Review status: criteria provided, single submitter. Criteria: CeGaT Center For Human Genetics Tuebingen Variant Classification Criteria Version 2. Collection method: clinical testing. Allele origin: germline. Affected: yes. Observed: 1 variant allele.
Comment: KAT6B: BS2

Fulgent Genetics
Classification: Uncertain significance for Blepharophimosis - intellectual disability syndrome, SBBYS type; Genitopatellar syndrome. Last evaluated: 2021-09-22. Review status: criteria provided, single submitter. Criteria: ACMG Guidelines, 2015. Collection method: clinical testing. Allele origin: unknown.

New York Genome Center
Classification: Uncertain significance for Genitopatellar syndrome; Blepharophimosis - intellectual disability syndrome, SBBYS type. Last evaluated: 2019-12-20. Review status: criteria provided, single submitter. Criteria: NYGC Assertion Criteria 2020. Collection method: clinical testing. Allele origin: germline. Observed: 1 heterozygote. Study: CSER-NYCKidSeq.

GeneDx
Classification: Uncertain significance. Last evaluated: 2016-12-06. Review status: criteria provided, single submitter. Criteria: GeneDx Variant Classification (06012015). Collection method: clinical testing. Allele origin: germline. Affected: yes.
Comment: The T1114M variant in the KAT6B gene has not been published as a pathogenic variant, nor has it been reported as a benign polymorphism to our knowledge. The T1114M variant was not observed in approximately 6400 individuals of European and African American ancestry in the NHLBI Exome Sequencing Project, indicating it is not a common benign variant in these populations. The T1114M variant is a non-conservative amino acid substitution, which is likely to impact secondary protein structure as these residues differ in polarity, charge, size and/or other properties. This substitution occurs at a position that is conserved across species. In silico analysis is inconsistent in its predictions as to whether or not the variant is damaging to the protein structure/function. We interpret T1114M as a variant of unknown significance

PreventionGenetics, part of Exact Sciences
Classification: Likely benign for KAT6B-related condition. Last evaluated: 2023-02-01. Review status: no assertion criteria provided. Collection method: clinical testing. Allele origin: germline. Not counted in ClinVar's aggregate classification.
Comment: This variant is classified as likely benign based on ACMG/AMP sequence variant interpretation guidelines (Richards et al. 2015 PMID: 25741868, with internal and published modifications).